The following is an entry in ClinVar:

NM_024426.6(WT1):c.979A>G (p.Ser327Gly)

Gene: WT1 (WT1 transcription factor; minus strand). Cytogenetic location: 11p13.
Variant type: single nucleotide variant.
Coding change: c.979A>G on transcript NM_024426.6 (MANE Select); coding-DNA position 979, A replaced by G.
Protein change: p.Ser327Gly; replaces serine 327 with glycine.
Molecular consequence: missense variant. On other transcripts: intron variant (8), non-coding transcript variant (1).
Genome position (GRCh38, 1-based): chr11:32,416,527, T>C on the plus strand (A>G on the coding strand, the complement: WT1 is on the minus strand). VCF-style: chr11-32416527-T-C. GRCh37 (hg19) VCF-style: chr11-32438073-T-C.
Other names: c.746+1050A>G (NM_001429034.1, NM_001429033.1); c.314+1050A>G (NM_001198552.2); c.328A>G, p.Ser110Gly (NM_001198551.2); c.979A>G, p.Ser327Gly (NM_001407044.1, NM_001407046.1, NM_024424.5); c.856A>G, p.Ser286Gly (NM_001407047.1); c.217A>G, p.Ser73Gly (NM_001407051.1); c.760A>G, p.Ser254Gly (NM_001429031.1, NM_001429032.1); c.842+1050A>G (NM_001407050.1); and 1 more; short protein forms S110G, S254G, S286G, S322G, S327G, S73G.
Identifiers: ClinVar variation 3752460 (VCV003752460.2).

ClinVar aggregate classification (germline): Uncertain significance (1 of 4 stars; one submission).

Conditions:
Wilms tumor 1 (WT1). Also called: Wilms tumor, somatic. Identifiers: Orphanet 654, MedGen CN033288, MONDO:0008679, OMIM 194070.
Drash syndrome (DDS). Also called: NEPHROPATHY, WILMS TUMOR, AND GENITAL ANOMALIES; WILMS TUMOR AND PSEUDO- OR TRUE HERMAPHRODITISM. Identifiers: Orphanet 220, MedGen C0950121, MONDO:0008682, OMIM 194080.
11p partial monosomy syndrome (WAGR). Also called: CHROMOSOME 11p13 DELETION SYNDROME; WAGR Spectrum Disorder; WAGR syndrome; WAGR Complex. Identifiers: Orphanet 893, MedGen C0206115, MONDO:0008681, OMIM 194072.
Frasier syndrome. Identifiers: Orphanet 347, MedGen C0950122, MeSH D052159, MONDO:0007635, OMIM 136680.

Submission:

Labcorp Genetics (formerly Invitae), Labcorp
Classification: Uncertain significance for Wilms tumor 1; Drash syndrome; 11p partial monosomy syndrome; Frasier syndrome. Last evaluated: 2024-10-23. Review status: criteria provided, single submitter. Criteria: Invitae Variant Classification Sherloc (09022015). Collection method: clinical testing. Allele origin: germline.
Comment: This sequence change replaces serine, which is neutral and polar, with glycine, which is neutral and non-polar, at codon 322 of the WT1 protein (p.Ser322Gly). This variant is not present in population databases (gnomAD no frequency). This variant has not been reported in the literature in individuals affected with WT1-related conditions. Invitae Evidence Modeling of protein sequence and biophysical properties (such as structural, functional, and spatial information, amino acid conservation, physicochemical variation, residue mobility, and thermodynamic stability) has been performed for this missense variant. However, the output from this modeling did not meet the statistical confidence thresholds required to predict the impact of this variant on WT1 protein function. In summary, the available evidence is currently insufficient to determine the role of this variant in disease. Therefore, it has been classified as a Variant of Uncertain Significance.